The following is an entry in ClinVar:

ClinVar aggregate classification (germline): Uncertain significance (1 of 4 stars; one submission).

Submission:

Ambry Genetics
Classification: Uncertain significance. Last evaluated: 2025-08-02. Review status: criteria provided, single submitter. Criteria: Ambry Variant Classification Scheme 2023. Collection method: clinical testing. Allele origin: germline.
Comment: The p.N139S variant (also known as c.416A>G), located in coding exon 3 of the ATRIP gene, results from an A to G substitution at nucleotide position 416. The asparagine at codon 139 is replaced by serine, an amino acid with highly similar properties. This amino acid position is conserved. In addition, this alteration is predicted to be tolerated by in silico analysis. Based on the available evidence, the clinical significance of this variant remains unclear.

NM_130384.3(ATRIP):c.416A>G (p.Asn139Ser)

Genes: ATRIP (ATR interacting protein; plus strand), ATRIP-TREX1 (ATRIP-TREX1 readthrough; plus strand). Cytogenetic location: 3p21.31.
Variant type: single nucleotide variant.
Coding change: c.416A>G on transcript NM_130384.3 (MANE Select); coding-DNA position 416, A replaced by G.
Protein change: p.Asn139Ser; replaces asparagine 139 with serine.
Molecular consequence: missense variant. On other transcripts: non-coding transcript variant (1).
Genome position (GRCh38, 1-based): chr3:48,451,763, A>G. VCF-style: chr3-48451763-A-G. GRCh37 (hg19) VCF-style: chr3-48493169-A-G.
Other names: c.35A>G, p.Asn12Ser (NM_001271022.2); c.137A>G, p.Asn46Ser (NM_001271023.2); c.416A>G, p.Asn139Ser (NM_032166.4); short protein forms N139S, N46S, N12S.
Identifiers: ClinVar variation 4182316 (VCV004182316.1).
Genomic context (GRCh38, chr3:48,451,763, plus strand): 5'-TCACGAGATTAATTTGGGATTTACAGATGAAAGTAATGGAAGAAGAAGTTCTCATTAAGA[A>G]TGGAGAAATTAAAATTTTGCGAGACTCACTACATCAGACGGAATCCGTTCTAGAGGAACA-3'
Protein context (NP_569055.1, residues 129-149): KVMEEEVLIK[Asn139Ser]GEIKILRDSL